The following is an entry in ClinVar:

ClinVar aggregate classification (germline): Uncertain significance (1 of 4 stars; one submission).

Submission:

GeneDx
Classification: Uncertain significance. Last evaluated: 2022-09-28. Review status: criteria provided, single submitter. Criteria: GeneDx Variant Classification Process June 2021. Collection method: clinical testing. Allele origin: germline. Affected: yes.
Comment: Not observed at significant frequency in large population cohorts (gnomAD); In silico analysis supports that this missense variant does not alter protein structure/function; Has not been previously published as pathogenic or benign to our knowledge

NM_001961.4(EEF2):c.2475C>A (p.Phe825Leu)

Gene: EEF2 (eukaryotic translation elongation factor 2; minus strand). Cytogenetic location: 19p13.3.
Variant type: single nucleotide variant.
Coding change: c.2475C>A on transcript NM_001961.4 (MANE Select); coding-DNA position 2475, C replaced by A.
Protein change: p.Phe825Leu; replaces phenylalanine 825 with leucine.
Molecular consequence: missense variant.
Genome position (GRCh38, 1-based): chr19:3,976,656, G>T on the plus strand (C>A on the coding strand, the complement: EEF2 is on the minus strand). VCF-style: chr19-3976656-G-T. GRCh37 (hg19) VCF-style: chr19-3976654-G-T.
Other names: short protein forms F825L.
Identifiers: ClinVar variation 2446641 (VCV002446641.1), dbSNP rs781600560, ClinGen allele CA403388518.